The following is an entry in ClinVar:

ClinVar aggregate classification (germline): Pathogenic/Likely pathogenic. Review status: criteria provided, multiple submitters, no conflicts (2 of 4 stars). 3 submissions from 3 submitters: Pathogenic (1); Likely pathogenic (1). 1 of the submissions does not count toward it. Last evaluated 2025-12-05.

Conditions:
Hereditary cancer-predisposing syndrome. Also called: Tumor predisposition; Neoplastic Syndromes, Hereditary; Hereditary Cancer Syndrome; Hereditary neoplastic syndrome. Identifiers: Orphanet 140162, MedGen C0027672, MeSH D009386, MONDO:0015356.
FLCN-related disorders.
Birt-Hogg-Dube syndrome. Also called: Birt Hogg Dubé syndrome. Identifiers: Orphanet 122, MedGen C0346010, MONDO:0800444.

Submissions (3):

Ambry Genetics
Classification: Pathogenic for Hereditary cancer-predisposing syndrome. Last evaluated: 2025-12-05. Review status: criteria provided, single submitter. Criteria: Ambry Variant Classification Scheme 2023. Collection method: clinical testing. Allele origin: germline.
Comment: The p.Q147* pathogenic mutation (also known as c.439C>T), located in coding exon 3 of the FLCN gene, results from a C to T substitution at nucleotide position 439. This changes the amino acid from a glutamine to a stop codon within coding exon 3. This variant is considered to be rare based on population cohorts in the Genome Aggregation Database (gnomAD). This alteration is expected to result in loss of function by premature protein truncation or nonsense-mediated mRNA decay. As such, this alteration is interpreted as a disease-causing mutation.

Blueprint Genetics
Classification: Likely pathogenic for FLCN-related disorders. Last evaluated: 2022-01-13. Review status: criteria provided, single submitter. Criteria: ACMG Guidelines, 2015. Collection method: clinical testing. Allele origin: germline. Affected: yes. Observed: 1 variant allele.

Division of Respiratory Medicine of Juntendo University, Juntendo University Faculty of Medicine and Graduate School of Medicine
Classification: Pathogenic for Birt-Hogg-Dube syndrome 1. Last evaluated: 2023-07-01. Review status: no assertion criteria provided. Collection method: clinical testing. Allele origin: germline. Affected: yes. Not counted in ClinVar's aggregate classification.

NM_144997.7(FLCN):c.439C>T (p.Gln147Ter)

Gene: FLCN (folliculin; minus strand). Cytogenetic location: 17p11.2.
Variant type: single nucleotide variant.
Coding change: c.439C>T on transcript NM_144997.7 (MANE Select); coding-DNA position 439, C replaced by T.
Protein change: p.Gln147Ter; replaces glutamine 147 with a stop codon.
Molecular consequence: nonsense.
Genome position (GRCh38, 1-based): chr17:17,224,101, G>A on the plus strand (C>T on the coding strand, the complement: FLCN is on the minus strand). VCF-style: chr17-17224101-G-A. GRCh37 (hg19) VCF-style: chr17-17127415-G-A.
Other names: c.493C>T, p.Gln165Ter (NM_001353229.2); c.439C>T, p.Gln147Ter (NM_001353230.2, NM_001353231.2, NM_144606.7); short protein forms Q147*, Q165*.
Identifiers: ClinVar variation 2578494 (VCV002578494.3), dbSNP rs2144981510, ClinGen allele CA398534561.
Genomic context (GRCh38, chr17:17,224,101, plus strand): 5'-GGAAGCCCCTGGCCAGGCTGTCCTTGATGAAGAAGGTGTGGCTGAACACAAAGCCGTGCT[G>A]CTCATCTCCGAAGAAGATGGGGCCTTCACGGCCAGGGCAGACCTGGAGGGACACCGGCGA-3'